The following is an entry in ClinVar:

ClinVar aggregate classification (germline): Conflicting classifications of pathogenicity. Review status: criteria provided, conflicting classifications (1 of 4 stars). 5 submissions from 5 submitters: Uncertain significance (1); Benign (3). 1 of the submissions does not count toward it. Last evaluated 2025-07-30.

Conditions:
Ectodermal dysplasia 10A, hypohidrotic/hair/nail type, autosomal dominant (ECTD10A). Also called: Ectodermal Dysplasia 3, Anhidrotic. Identifiers: Orphanet 1810, Orphanet 238468, MedGen C3888065, MONDO:0007509, OMIM 129490.
Autosomal recessive hypohidrotic ectodermal dysplasia syndrome. Also called: Autosomal recessive hypohidrotic ectodermal dysplasia. Identifiers: Orphanet 248, MedGen C0406702, MONDO:0016619.
Non-syndromic oligodontia.
Hypohidrotic ectodermal dysplasia (HED). Identifiers: Orphanet 238468, MedGen C5848103, MONDO:0016535, HP:0007607.
Ectodermal dysplasia 10B, hypohidrotic/hair/tooth type, autosomal recessive. Also called: Ectodermal Dysplasia, Hypohidrotic, Autosomal Recessive; Ectodermal dysplasia 10B, hypohidrotic/hair/tooth type, autosomal. Identifiers: Orphanet 238468, Orphanet 248, MedGen C3887494, MONDO:0009147, OMIM 224900.

Allele frequency attached by ClinVar (database versions not stated): ESP Exome Variant Server 0.00023; gnomAD exomes 0.00071 and 0.00185; ExAC 0.00193; 1000 Genomes Project 30x 0.00625; 1000 Genomes Project 0.00639; gnomAD 0.00095 and 0.00054; TOPMed 0.00102.
gnomAD v4.1: 1,298 of 1,614,018 alleles (0.08%); highest among the groups gnomAD compares: East Asian, 2.4%; 21 homozygotes.

Submissions (5):

Labcorp Genetics (formerly Invitae), Labcorp
Classification: Benign for Ectodermal dysplasia 10A, hypohidrotic/hair/nail type, autosomal dominant; Autosomal recessive hypohidrotic ectodermal dysplasia syndrome. Last evaluated: 2025-07-30. Review status: criteria provided, single submitter. Criteria: Invitae Variant Classification Sherloc (09022015). Collection method: clinical testing. Allele origin: germline.

Department of Pathology and Laboratory Medicine, Sinai Health System
Classification: Uncertain significance for Ectodermal dysplasia 10A, hypohidrotic/hair/nail type, autosomal dominant; Ectodermal dysplasia 10B, hypohidrotic/hair/tooth type, autosomal recessive. Last evaluated: 2022-12-15. Review status: criteria provided, single submitter. Criteria: ACMG Guidelines, 2015. Collection method: research. Allele origin: germline.

Illumina Laboratory Services, Illumina
Classification: Benign for Hypohidrotic ectodermal dysplasia. Last evaluated: 2018-01-13. Review status: criteria provided, single submitter. Criteria: ICSL Variant Classification Criteria 13 December 2019. Collection method: clinical testing. Allele origin: germline.
Comment: This variant was observed in the ICSL laboratory as part of a predisposition screen in an ostensibly healthy population. It had not been previously curated by ICSL or reported in the Human Gene Mutation Database (HGMD: prior to June 1st, 2018), and was therefore a candidate for classification through an automated scoring system. Utilizing variant allele frequency, disease prevalence and penetrance estimates, and inheritance mode, an automated score was calculated to assess if this variant is too frequent to cause the disease. Based on the score and internal cut-off values, a variant classified as benign is not then subjected to further curation. The score for this variant resulted in a classification of benign for this disease.

PreventionGenetics, part of Exact Sciences
Classification: Benign. Review status: criteria provided, single submitter. Criteria: ACMG Guidelines, 2015. Collection method: clinical testing. Allele origin: germline.

Department of Prosthodontics, Peking University School and Hospital of Stomatology
Classification: Pathogenic for Non-syndromic oligodontia. Last evaluated: 2020-04-27. Review status: no assertion criteria provided. Collection method: clinical testing. Allele origin: inherited. Affected: yes. Not counted in ClinVar's aggregate classification.

NM_022336.4(EDAR):c.1138A>C (p.Ser380Arg)

Genes: EDAR (ectodysplasin A receptor; minus strand), RANBP2 (RAN binding protein 2; plus strand). Cytogenetic location: 2q13.
Variant type: single nucleotide variant.
Coding change: c.1138A>C on transcript NM_022336.4 (MANE Select); coding-DNA position 1138, A replaced by C.
Protein change: p.Ser380Arg; replaces serine 380 with arginine.
Molecular consequence: missense variant.
Genome position (GRCh38, 1-based): chr2:108,897,116, T>G on the plus strand (A>C on the coding strand, the complement: EDAR is on the minus strand). VCF-style: chr2-108897116-T-G. GRCh37 (hg19) VCF-style: chr2-109513572-T-G.
Other names: short protein forms S380R.
Identifiers: ClinVar variation 261571 (VCV000261571.19), dbSNP rs146567337, ClinGen allele CA1824811.